The following is an entry in ClinVar:

NM_213599.3(ANO5):c.2521C>G (p.His841Asp)

Gene: ANO5 (anoctamin 5; plus strand). Cytogenetic location: 11p14.3.
Variant type: single nucleotide variant.
Coding change: c.2521C>G on transcript NM_213599.3 (MANE Select); coding-DNA position 2521, C replaced by G.
Protein change: p.His841Asp; replaces histidine 841 with aspartic acid.
Molecular consequence: missense variant.
Genome position (GRCh38, 1-based): chr11:22,279,544, C>G. VCF-style: chr11-22279544-C-G. GRCh37 (hg19) VCF-style: chr11-22301090-C-G.
Other names: c.2521C>G (NM_213599.2); c.2518C>G, p.His840Asp (NM_001142649.2); short protein forms H841D, H840D.
Identifiers: ClinVar variation 195705 (VCV000195705.27), dbSNP rs781027702, ClinGen allele CA242241.

ClinVar aggregate classification (germline): Conflicting classifications of pathogenicity. Review status: criteria provided, conflicting classifications (1 of 4 stars). 8 submissions from 8 submitters: Pathogenic (3); Likely pathogenic (4); Uncertain significance (1). Last evaluated 2026-06-01.

Conditions:
Autosomal recessive limb-girdle muscular dystrophy type 2L (LGMDR12). Also called: Limb-girdle muscular dystrophy, type 2L; Limb-Girdle Muscular Dystrophy R12 Anoctamin-5-Related (LGMD-R12); MUSCULAR DYSTROPHY, LIMB-GIRDLE, AUTOSOMAL RECESSIVE 12. Identifiers: Orphanet 206549, MedGen C1969785, MONDO:0012652, OMIM 611307.
Gnathodiaphyseal dysplasia (GDD). Also called: GNATHODIAPHYSEAL SCLEROSIS; OSTEOGENESIS IMPERFECTA WITH UNUSUAL SKELETAL LESIONS. Identifiers: Orphanet 53697, MedGen C1833736, MONDO:0008151, OMIM 166260.
Autosomal recessive limb-girdle muscular dystrophy. Identifiers: Orphanet 102015, MedGen C2931907, MONDO:0015152.
Limb-girdle muscular dystrophy (LGMD). Also called: Muscular Dystrophies, Limb-Girdle. Identifiers: Orphanet 263, MedGen C0686353, MeSH D049288, MONDO:0016971, HP:0006785.

Allele frequency attached by ClinVar (database versions not stated): ExAC 0.00002; gnomAD 0.00003 and 0.00004; TOPMed 0.00005.
gnomAD v4.1: 108 of 1,607,580 alleles (0.0067%); highest among the groups gnomAD compares: Non-Finnish European, 0.0082%; no homozygotes.

Submissions (8):

CeGaT Center for Human Genetics Tuebingen
Classification: Pathogenic. Last evaluated: 2026-06-01. Review status: criteria provided, single submitter. Criteria: CeGaT Center For Human Genetics Tuebingen Variant Classification Criteria Version 2. Collection method: clinical testing. Allele origin: germline. Affected: yes. Observed: 1 variant allele.
Comment: ANO5: PM3:Very Strong, PM2, PP3

Women's Health and Genetics/Laboratory Corporation of America, LabCorp
Classification: Likely pathogenic for Autosomal recessive limb-girdle muscular dystrophy. Last evaluated: 2026-03-16. Review status: criteria provided, single submitter. Criteria: LabCorp Variant Classification Summary - May 2015. Collection method: clinical testing. Allele origin: germline.
Comment: Variant summary: ANO5 c.2521C>G (p.His841Asp) results in a non-conservative amino acid change in the encoded protein sequence. Algorithms developed to predict the effect of missense changes on protein structure and function all suggest that this variant is likely to be disruptive. Consensus agreement among computation tools predict no significant impact on normal splicing. However, these predictions have yet to be confirmed by functional studies. The variant allele was found at a frequency of 4.8e-05 in 249618 control chromosomes (gnomAD). This frequency is not significantly higher than estimated for disease-causing variants in ANO5, allowing no conclusion about variant significance. c.2521C>G has been reported in the literature in multiple compound heterozygous individuals affected with Limb-Girdle Muscular Dystrophy, Autosomal Recessive (e.g., Leung_2014, Jarmula_2019, Gonzalez-Quereda_2020, Segui_2020, Topf_2020). These data indicate that the variant is likely to be associated with disease. To our knowledge, no experimental evidence demonstrating an impact on protein function has been reported. The following publications have been ascertained in the context of this evaluation (PMID: 32403337, 31395899, 24022920, 23606453, 32528171, 32399949). ClinVar contains an entry for this variant (Variation ID: 195705). Based on the evidence outlined above, the variant was classified as likely pathogenic.

Labcorp Genetics (formerly Invitae), Labcorp
Classification: Pathogenic for Autosomal recessive limb-girdle muscular dystrophy type 2L; Gnathodiaphyseal dysplasia. Last evaluated: 2026-01-20. Review status: criteria provided, single submitter. Criteria: Invitae Variant Classification Sherloc (09022015). Collection method: clinical testing. Allele origin: germline.
Comment: This sequence change replaces histidine, which is basic and polar, with aspartic acid, which is acidic and polar, at codon 841 of the ANO5 protein (p.His841Asp). This variant is present in population databases (rs781027702, gnomAD 0.009%). This missense change has been observed in individual(s) with clinical features of autosomal recessive limb-girdle muscular dystrophy (PMID: 24022920, 31395899, 32403337). In at least one individual the data is consistent with being in trans (on the opposite chromosome) from a pathogenic variant. It has also been observed to segregate with disease in related individuals. ClinVar contains an entry for this variant (Variation ID: 195705). Invitae Evidence Modeling of protein sequence and biophysical properties (such as structural, functional, and spatial information, amino acid conservation, physicochemical variation, residue mobility, and thermodynamic stability) indicates that this missense variant is expected to disrupt ANO5 protein function with a positive predictive value of 95%. For these reasons, this variant has been classified as Pathogenic.

Revvity Omics, Revvity
Classification: Likely pathogenic. Last evaluated: 2021-09-07. Review status: criteria provided, single submitter. Criteria: ACMG Guidelines, 2015. Collection method: clinical testing. Allele origin: germline.

Athena Diagnostics
Classification: Likely pathogenic. Last evaluated: 2021-07-20. Review status: criteria provided, single submitter. Criteria: Athena Diagnostics Criteria. Collection method: clinical testing. Allele origin: unknown.
Comment: The frequency of this variant in the general population is consistent with pathogenicity. This variant segregates with disease in at least one family. Computational tools predict that this variant is damaging.

Broad Center for Mendelian Genomics, Broad Institute of MIT and Harvard
Classification: Uncertain significance for Limb-girdle muscular dystrophy. Last evaluated: 2020-05-29. Review status: criteria provided, single submitter. Criteria: ACMG Guidelines, 2015. Collection method: research. Allele origin: germline. Inheritance: Autosomal recessive inheritance.
Comment: The variant in ANO5 has been reported in 4 individuals with limb-girdle muscular dystrophy, including the one from our study (PMID: 31395899, 24022920, 23606453). The presence of this variant in combination with a reported pathogenic variant, and in an individual with limb-girdle muscular dystrophy increases the likelihood that the p.His841Asp variant is pathogenic (Variation ID: 424764; PMID: 24022920). This variant has been identified in 0.009% (3/34378) of Latino chromosomes by the Genome Aggregation Database (gnomAD; dbSNP (rs781027702). Although this variant has been seen in the general population, its frequency is low enough to be consistent with a recessive carrier frequency. This variant has also been reported in ClinVar as pathogenic by GeneDx, likley pathogenic by Invitae and EGL Genetic Diagnostics, Eurofins Clinical Diagnostics, and as a variant of uncertain significance by Illumina Clinical Services Laboratory, Illumina (Variation ID:195705). Computational prediction tools and conservation analyses suggest that this variant may impact the protein, though this information is not predictive enough to determine pathogenicity. In summary, while there is some suspicion for a pathogenic role, the clinical significance of this variant is uncertain. ACMG/AMP Criteria applied: PM2, PP3, PM3 (Richards 2015).

Eurofins Ntd Llc (ga)
Classification: Likely pathogenic. Last evaluated: 2016-09-01. Review status: criteria provided, single submitter. Criteria: EGL Classification Definitions. Collection method: clinical testing. Allele origin: germline. Observed: 7 variant alleles, 7 heterozygotes.

GeneDx
Classification: Pathogenic. Last evaluated: 2015-07-07. Review status: criteria provided, single submitter. Criteria: GeneDx Variant Classification (06012015). Collection method: clinical testing. Allele origin: germline. Affected: yes.
Comment: The H841D missense variant in the ANO5 gene has been reported previously in an individual with limb-girdle muscular dystrophy type 2L also known as, anoctaminopathy, who was heterozygous for this change and did not have another identifiable variant (Sarkozy et al., 2013). H841D was subsequently identified in an individual with limb-girdle muscular dystrophy type 2L who was compound heterozygous for H841D and another ANO5 variant(Leung et al., 2014). The H841D pathogenic variant is a non-conservative amino acid substitution, which is likely to impact secondary protein structure as these residues differ in polarity, charge, size and/or other properties. Additionally, in silico analysis predicts this sequence change is probably damaging to the protein structure/function, and other missense variants in nearby residues (M833K, M839R) have been reported in the Human Gene Mutation Database in association with ANO5-related disorders (Stenson et al., 2014), supporting the functional importance of this region of the protein. Given the available evidence, we interpret H841D as a pathogenic variant.

Literature cited by the submitters: PubMed 32528171 (cited by Women's Health and Genetics/Laboratory Corporation of America, LabCorp and Athena Diagnostics); PubMed 31395899 (cited by 4 submitters); PubMed 23606453 (cited by 3 submitters); PubMed 32403337 (cited by 3 submitters); PubMed 24022920 (cited by 4 submitters); PubMed 32399949 (cited by Women's Health and Genetics/Laboratory Corporation of America, LabCorp).